The following is an entry in ClinVar:

NM_005186.4(CAPN1):c.307A>G (p.Thr103Ala)

Gene: CAPN1 (calpain 1; plus strand). Cytogenetic location: 11q13.1.
Variant type: single nucleotide variant.
Coding change: c.307A>G on transcript NM_005186.4 (MANE Select); coding-DNA position 307, A replaced by G.
Protein change: p.Thr103Ala; replaces threonine 103 with alanine.
Molecular consequence: missense variant.
Genome position (GRCh38, 1-based): chr11:65,183,167, A>G. VCF-style: chr11-65183167-A-G. GRCh37 (hg19) VCF-style: chr11-64950638-A-G.
Other names: p.Thr103Ala; c.307A>G, p.Thr103Ala (NM_001198868.2, NM_001198869.2); short protein forms T103A.
Identifiers: ClinVar variation 720351 (VCV000720351.13), dbSNP rs17885718, ClinGen allele CA6093016.
Genomic context (GRCh38, chr11:65,183,167, plus strand): 5'-AGGACTCTGGGTCTCTCGTAGGAACTGCTGTCAAACCCCCAGTTCATTGTGGATGGAGCT[A>G]CCCGCACAGACATCTGCCAGGGAGCACTGGGTAGGCCCCCAGGGCGTCGGGTCCCGGGTA-3'
Protein context (NP_005177.2, residues 93-113): SNPQFIVDGA[Thr103Ala]RTDICQGALG

ClinVar aggregate classification (germline): Benign/Likely benign. Review status: criteria provided, multiple submitters, no conflicts (2 of 4 stars). 5 submissions from 5 submitters: Benign (3); Likely benign (2). Last evaluated 2026-01-16.

Allele frequency attached by ClinVar (database versions not stated): gnomAD exomes 0.00062 and 0.00136; ExAC 0.00151; gnomAD 0.00544 and 0.00585; 1000 Genomes Project 0.00599; 1000 Genomes Project 30x 0.00609; ESP Exome Variant Server 0.00616; TOPMed 0.00618.
gnomAD v4.1: 1,781 of 1,613,828 alleles (0.11%); highest among the groups gnomAD compares: African/African-American, 1.9%; 16 homozygotes.

Submissions (5):

Labcorp Genetics (formerly Invitae), Labcorp
Classification: Benign. Last evaluated: 2026-01-16. Review status: criteria provided, single submitter. Criteria: Invitae Variant Classification Sherloc (09022015). Collection method: clinical testing. Allele origin: germline.

Genomic Medicine Center of Excellence, King Faisal Specialist Hospital and Research Centre
Classification: Likely benign. Last evaluated: 2025-08-18. Review status: criteria provided, single submitter. Criteria: ACMG Guidelines, 2015. Collection method: clinical testing. Allele origin: germline.

Blueprint Genetics
Classification: Likely benign. Last evaluated: 2024-11-01. Review status: criteria provided, single submitter. Criteria: ACMG Guidelines, 2015. Collection method: clinical testing. Allele origin: germline.

Mayo Clinic Laboratories, Mayo Clinic
Classification: Benign. Last evaluated: 2023-12-29. Review status: criteria provided, single submitter. Criteria: ACMG Guidelines, 2015. Collection method: clinical testing. Allele origin: germline. Observed: 2 variant alleles.
Comment: BA1, BS2

Breakthrough Genomics
Classification: Benign. Review status: criteria provided, single submitter. Criteria: ACMG Guidelines, 2015. Collection method: not provided. Allele origin: germline. Inheritance: Autosomal recessive inheritance. Affected: yes.